The following is an entry in ClinVar:

NC_000012.12:g.120291734C>T

Gene: RNU4-2 (RNA, U4 small nuclear 2; minus strand). Cytogenetic location: 12q24.23.
Variant type: single nucleotide variant.
Genome position: GRCh38 VCF-style: chr12-120291734-C-T. GRCh37 (hg19) VCF-style: chr12-120729537-C-T.
Identifiers: ClinVar variation 4874268 (VCV004874268.2).

ClinVar aggregate classification (germline): Likely benign (1 of 4 stars; one submission).

Submission:

CeGaT Center for Human Genetics Tuebingen
Classification: Likely benign. Last evaluated: 2026-08-01. Review status: criteria provided, single submitter. Criteria: CeGaT Center For Human Genetics Tuebingen Variant Classification Criteria Version 2. Collection method: clinical testing. Allele origin: germline. Affected: yes. Observed: 2 variant alleles.
Comment: RNU4-2: BS1